The following is an entry in ClinVar:

ClinVar aggregate classification (germline): Pathogenic (1 of 4 stars; one submission).

Conditions:
Hereditary breast ovarian cancer syndrome. Also called: Hereditary breast and ovarian cancer; Breast and ovarian cancer; BRCA1- and BRCA2-Associated Hereditary Breast and Ovarian Cancer; Hereditary breast and/or ovarian cancer syndrome; Hereditary breast and ovarian cancer syndrome; Hereditary breast and ovarian cancer syndrome (HBOC). Identifiers: Orphanet 145, MedGen C0677776, MeSH D061325, MONDO:0003582. Disease mechanism: loss of function.

Submission:

Labcorp Genetics (formerly Invitae), Labcorp
Classification: Pathogenic for Hereditary breast ovarian cancer syndrome. Last evaluated: 2020-12-22. Review status: criteria provided, single submitter. Criteria: Invitae Variant Classification Sherloc (09022015). Collection method: clinical testing. Allele origin: germline.
Comment: For these reasons, this variant has been classified as Pathogenic. This variant has not been reported in the literature in individuals with BRCA1-related conditions. This sequence change creates a premature translational stop signal (p.Ser1516Glyfs*33) in the BRCA1 gene. It is expected to result in an absent or disrupted protein product. Loss-of-function variants in BRCA1 are known to be pathogenic (PMID: 20104584). This variant is not present in population databases (ExAC no frequency).

Literature cited by the submitters: PubMed 20104584.

NM_007294.4(BRCA1):c.4544_4545dup (p.Ser1516fs)

Gene: BRCA1 (BRCA1 DNA repair associated; minus strand). Cytogenetic location: 17q21.31.
Variant type: Duplication.
Coding change: c.4544_4545dup on transcript NM_007294.4 (MANE Select); coding-DNA positions 4544 to 4545, 2 bases duplicated (GG; older notation c.4544_4545dupGG).
Protein change: p.Ser1516fs; shifts the reading frame from serine 1516.
Molecular consequence: frameshift variant. On other transcripts: non-coding transcript variant (1).
Genome position (GRCh38, 1-based): chr17:43,074,461-43,074,462, CC duplicated on the plus strand (GG on the coding strand, the reverse complement: BRCA1 is on the minus strand); duplicating any 2 consecutive bases within chr17:43,074,461-43,074,463 gives the same sequence; the c. name uses the placement nearest the transcript's 3' end. VCF-style (leftmost placement, unchanged base first): chr17-43074460-T-TCC. GRCh37 (hg19) VCF-style: chr17-41226477-T-TCC.
Other names: c.1090_1091dup, p.Ser365Glyfs (NM_001408459.1, NM_001408460.1, NM_001408461.1 and 7 more transcripts); c.1087_1088dup, p.Ser364Glyfs (NM_001408468.1, NM_001408469.1, NM_001408470.1); c.1231_1232dup, p.Ser412Glyfs (NM_001408472.1, NM_001407979.1, NM_001407980.1 and 12 more transcripts); c.1228_1229dup, p.Ser411Glyfs (NM_001408473.1, NM_001408392.1, NM_001408396.1 and 8 more transcripts); c.1033_1034dup, p.Ser346Glyfs (NM_001408474.1); c.1030_1031dup, p.Ser345Glyfs (NM_001408475.1, NM_001408476.1); c.1021_1022dup, p.Ser342Glyfs (NM_001408490.1, NM_001408491.1, NM_001408483.1 and 5 more transcripts); c.1018_1019dup, p.Ser341Glyfs (NM_001408492.1, NM_001408493.1); and 71 more; short protein forms S1469fs, S1516fs, S1537fs, S412fs.
Identifiers: ClinVar variation 1074789 (VCV001074789.8), dbSNP rs2154015072, ClinGen allele CA2499224406.